The following is an entry in ClinVar:

ClinVar aggregate classification (germline): Uncertain significance (1 of 4 stars; one submission).

Submission:

Labcorp Genetics (formerly Invitae), Labcorp
Classification: Uncertain significance. Last evaluated: 2022-09-07. Review status: criteria provided, single submitter. Criteria: Invitae Variant Classification Sherloc (09022015). Collection method: clinical testing. Allele origin: germline.
Comment: In summary, the available evidence is currently insufficient to determine the role of this variant in disease. Therefore, it has been classified as a Variant of Uncertain Significance. Algorithms developed to predict the effect of missense changes on protein structure and function (SIFT, PolyPhen-2, Align-GVGD) all suggest that this variant is likely to be tolerated. This variant has not been reported in the literature in individuals affected with FAR1-related conditions. This variant is not present in population databases (gnomAD no frequency). This sequence change replaces alanine, which is neutral and non-polar, with valine, which is neutral and non-polar, at codon 359 of the FAR1 protein (p.Ala359Val).

NM_032228.6(FAR1):c.1076C>T (p.Ala359Val)

Gene: FAR1 (fatty acyl-CoA reductase 1; plus strand). Cytogenetic location: 11p15.3.
Variant type: single nucleotide variant.
Coding change: c.1076C>T on transcript NM_032228.6 (MANE Select); coding-DNA position 1076, C replaced by T.
Protein change: p.Ala359Val; replaces alanine 359 with valine.
Molecular consequence: missense variant.
Genome position (GRCh38, 1-based): chr11:13,714,629, C>T. VCF-style: chr11-13714629-C-T. GRCh37 (hg19) VCF-style: chr11-13736176-C-T.
Other names: short protein forms A359V.
Identifiers: ClinVar variation 1718998 (VCV001718998.5), dbSNP rs2500139821, ClinGen allele CA379858493.